The following is an entry in ClinVar:

ClinVar aggregate classification (germline): Conflicting classifications of pathogenicity. Review status: criteria provided, conflicting classifications (1 of 4 stars). 12 submissions from 12 submitters: Uncertain significance (3); Benign (1); Likely benign (6). 2 of the submissions do not count toward it. Last evaluated 2026-01-26.

Conditions:
Hereditary breast ovarian cancer syndrome. Also called: Hereditary breast and ovarian cancer syndrome; Hereditary breast and ovarian cancer; Hereditary breast and ovarian cancer syndrome (HBOC); Breast and ovarian cancer; Hereditary breast and/or ovarian cancer syndrome; BRCA1- and BRCA2-Associated Hereditary Breast and Ovarian Cancer. Identifiers: Orphanet 145, MedGen C0677776, MeSH D061325, MONDO:0003582. Disease mechanism: loss of function.
Breast-ovarian cancer, familial, susceptibility to, 2 (BROVCA2). Also called: BRCA2 Hereditary Breast and Ovarian Cancer. Identifiers: Orphanet 145, MedGen C2675520, MONDO:0012933, OMIM 612555. Disease mechanism: loss of function.
Hereditary cancer-predisposing syndrome. Also called: Neoplastic Syndromes, Hereditary; Tumor predisposition; Hereditary Cancer Syndrome; Hereditary neoplastic syndrome. Identifiers: Orphanet 140162, MedGen C0027672, MeSH D009386, MONDO:0015356.
Breast neoplasm. Also called: Neoplasm of breast; Breast tumor; Neoplasm of the breast; Breast Neoplasms. Identifiers: MedGen C1458155, MeSH D001943, MONDO:0021100, HP:0100013. Disease mechanism: gain of function.

Allele frequency attached by ClinVar (database versions not stated): gnomAD exomes 0.00001 and 0.00003; gnomAD 0.00002; TOPMed 0.00002; ExAC 0.00003; ESP Exome Variant Server 0.00008.
gnomAD v4.1: 17 of 1,593,004 alleles (0.0011%); highest among the groups gnomAD compares: East Asian, 0.025%; no homozygotes.

Submissions (12):

Labcorp Genetics (formerly Invitae), Labcorp
Classification: Likely benign for Hereditary breast ovarian cancer syndrome. Last evaluated: 2026-01-26. Review status: criteria provided, single submitter. Criteria: Invitae Variant Classification Sherloc (09022015). Collection method: clinical testing. Allele origin: germline.

Women's Health and Genetics/Laboratory Corporation of America, LabCorp
Classification: Uncertain significance. Last evaluated: 2025-03-06. Review status: criteria provided, single submitter. Criteria: LabCorp Variant Classification Summary - May 2015. Collection method: clinical testing. Allele origin: germline.
Comment: Variant summary: BRCA2 c.3256A>G (p.Ile1086Val) results in a conservative amino acid change in the encoded protein sequence. Five of five in-silico tools predict a benign effect of the variant on protein function. The variant allele was found at a frequency of 4.6e-05 in 259873 control chromosomes. This frequency is not significantly higher than estimated for a pathogenic variant in BRCA2 causing Hereditary Breast And Ovarian Cancer Syndrome (4.6e-05 vs 0.00075), allowing no conclusion about variant significance. c.3256A>G has been reported in the literature in individuals with breast/ovarian cancer without strong evidence of causality (example: Zhong_2016, Momozawa_2018, Lee_2018, Wang_2019, Machackova_2019, Sunar_2022, Yao_2022, Davidson_2024, Wu_ 2024). These report(s) do not provide unequivocal conclusions about association of the variant with Hereditary Breast And Ovarian Cancer Syndrome. A co-occurrence has been reported with an unspecified pathogenic variant in BRCA1/2 (example: Lee_2018) and a co-occurrence with a pathogenic BRCA1 variant has also been reported (example: Davidson_2024), providing supporting evidence for a benign role. One publication reports experimental evidence evaluating an impact on APRIN-BRCA2 interaction, however since the clinical significance of this interaction is unclear, it does not allow convincing conclusions about the variant effect (example: Brough_2012). Another functional study involving a combination of a mouse embryonic stem cell (mESC)-based assay using next-generation sequencing (NGS) and cell viability and drug sensitivity assays were used to evaluate the pathogenicity of the variant and the evidence suggested that the variant is functional (Biswas_2023). The following publications have been ascertained in the context of this evaluation (PMID: 18779604, 22293751, 27257965, 30287823, 30415210, 30982232, 31409081, 32467295, 37922907, 39096911, 33629534, 38566028, 35864222). ClinVar contains an entry for this variant (Variation ID: 51433). Based on the evidence outlined above, the variant was classified as VUS-possibly benign.

Quest Diagnostics Nichols Institute San Juan Capistrano
Classification: Uncertain significance. Last evaluated: 2024-09-21. Review status: criteria provided, single submitter. Criteria: Quest Diagnostics criteria. Collection method: clinical testing. Allele origin: unknown.
Comment: The BRCA2 c.3256A>G (p.Ile1086Val) variant has been reported in the published literature in individuals with breast cancer (PMID: 27257965 (2016), 30287823 (2018), 30702160 (2019), 31409081 (2019), 30982232 (2019), 33471991 (2021), see also LOVD), biliary tract cancer (PMID: 36243179 (2022)) as well as in unaffected individuals (PMID: 30287823 (2018), 32467295 (2020), 33471991 (2021), see also LOVD). An experimental study showed that the interaction of APRIN and BRCA2 carrying this variant is similar to wild type BRCA2 however the effect of this variant on other BRCA2 functions has not been studied (PMID: 22293751 (2012)). The frequency of this variant in the general population, 0.00031 (6/19378 chromosomes (Genome Aggregation Database)), is uninformative in the assessment of its pathogenicity. Analysis of this variant using bioinformatics tools for the prediction of the effect of amino acid changes on protein structure and function yielded predictions that this variant is benign. Based on the available information, we are unable to determine the clinical significance of this variant.

Molecular Pathology, Peter Maccallum Cancer Centre
Classification: Benign for Breast-ovarian cancer, familial, susceptibility to, 2. Last evaluated: 2024-04-19. Review status: criteria provided, single submitter. Criteria: ACMG Guidelines, 2015. Collection method: clinical testing. Allele origin: germline. Inheritance: Autosomal dominant inheritance.

All of Us Research Program, National Institutes of Health
Classification: Likely benign for Breast-ovarian cancer, familial, susceptibility to, 2. Last evaluated: 2024-02-05. Review status: criteria provided, single submitter. Criteria: ACMG Guidelines, 2015. Collection method: clinical testing. Allele origin: germline. Inheritance: Autosomal dominant inheritance. Observed: 3 variant alleles, 3 heterozygotes.
Comment: This study involves interpretation of variants in research participants for the purpose of population health screening. Participant phenotype was not available at the time of variant classification. Additional details can be found in publication PMID: 35346344, PMCID: PMC8962531

University of Washington Department of Laboratory Medicine, University of Washington
Classification: Likely benign for Hereditary cancer-predisposing syndrome. Last evaluated: 2023-03-23. Review status: criteria provided, single submitter. Criteria: Dines et al. (Genet Med. 2020). Collection method: curation. Allele origin: germline.
Comment: Missense variant in a coldspot region where missense variants are very unlikely to be pathogenic (PMID:31911673).

BRCA2 exon 11 coldspot. Reclassification based on statistical prior probability.

Ambry Genetics
Classification: Likely benign for Hereditary cancer-predisposing syndrome. Last evaluated: 2021-05-14. Review status: criteria provided, single submitter. Criteria: Ambry Variant Classification Scheme 2023. Collection method: clinical testing. Allele origin: germline.

GeneDx
Classification: Likely benign. Last evaluated: 2018-07-10. Review status: criteria provided, single submitter. Criteria: GeneDx Variant Classification Process June 2021. Collection method: clinical testing. Allele origin: germline. Affected: yes.
Comment: This variant is associated with the following publications: (PMID: 18779604, 27257965, 30287823, 30702160, 31825140)

Color Diagnostics, LLC DBA Color Health
Classification: Likely benign for Hereditary cancer-predisposing syndrome. Last evaluated: 2016-03-02. Review status: criteria provided, single submitter. Criteria: ACMG Guidelines, 2015. Collection method: clinical testing. Allele origin: germline.

Laboratory of Molecular Diagnosis of Cancer, West China Hospital, Sichuan University
Classification: Uncertain significance for Breast neoplasm. Last evaluated: 2015-11-01. Review status: criteria provided, single submitter. Criteria: ACMG Guidelines, 2015. Collection method: research. Allele origin: germline. Affected: yes. Observed: 1 variant allele.

Sharing Clinical Reports Project (SCRP)
Classification: Likely benign for Breast-ovarian cancer, familial 2. Last evaluated: 2012-02-01. Review status: no assertion criteria provided. Collection method: clinical testing. Allele origin: germline. Not counted in ClinVar's aggregate classification.

Breast Cancer Information Core (BIC) (BRCA2)
Classification: Uncertain significance for Breast-ovarian cancer, familial 2. Last evaluated: 2004-02-20. Review status: no assertion criteria provided. Collection method: clinical testing. Allele origin: germline. Affected: yes. Observed: 3 variant alleles. Not counted in ClinVar's aggregate classification.

Literature cited by the submitters: PubMed 18779604 (cited by Women's Health and Genetics/Laboratory Corporation of America, LabCorp and Quest Diagnostics Nichols Institute San Juan Capistrano); PubMed 22293751 (cited by Women's Health and Genetics/Laboratory Corporation of America, LabCorp and Quest Diagnostics Nichols Institute San Juan Capistrano); PubMed 27257965 (cited by 3 submitters); PubMed 30287823 (cited by 3 submitters); PubMed 30415210 (cited by 3 submitters); PubMed 30982232 (cited by Women's Health and Genetics/Laboratory Corporation of America, LabCorp and Quest Diagnostics Nichols Institute San Juan Capistrano); PubMed 31409081 (cited by Women's Health and Genetics/Laboratory Corporation of America, LabCorp and Quest Diagnostics Nichols Institute San Juan Capistrano); PubMed 32467295 (cited by Women's Health and Genetics/Laboratory Corporation of America, LabCorp and Quest Diagnostics Nichols Institute San Juan Capistrano); PubMed 33629534 (cited by Women's Health and Genetics/Laboratory Corporation of America, LabCorp); PubMed 35864222 (cited by Women's Health and Genetics/Laboratory Corporation of America, LabCorp); PubMed 37922907 (cited by Women's Health and Genetics/Laboratory Corporation of America, LabCorp); PubMed 39096911 (cited by Women's Health and Genetics/Laboratory Corporation of America, LabCorp); PubMed 38566028 (cited by Women's Health and Genetics/Laboratory Corporation of America, LabCorp); PubMed 30702160 (cited by Quest Diagnostics Nichols Institute San Juan Capistrano and Ambry Genetics); PubMed 31911673 (cited by Quest Diagnostics Nichols Institute San Juan Capistrano); PubMed 33471991 (cited by Quest Diagnostics Nichols Institute San Juan Capistrano); PubMed 31825140 (cited by Quest Diagnostics Nichols Institute San Juan Capistrano); PubMed 36243179 (cited by Quest Diagnostics Nichols Institute San Juan Capistrano); PubMed 31907386 (cited by Quest Diagnostics Nichols Institute San Juan Capistrano).

NM_000059.4(BRCA2):c.3256A>G (p.Ile1086Val)

Gene: BRCA2 (BRCA2 DNA repair associated; plus strand). Cytogenetic location: 13q13.1.
Variant type: single nucleotide variant.
Coding change: c.3256A>G on transcript NM_000059.4 (MANE Select); coding-DNA position 3256, A replaced by G.
Protein change: p.Ile1086Val; replaces isoleucine 1086 with valine.
Molecular consequence: missense variant.
Genome position (GRCh38, 1-based): chr13:32,337,611, A>G. VCF-style: chr13-32337611-A-G. GRCh37 (hg19) VCF-style: chr13-32911748-A-G.
Other names: 3484A>G; short protein forms I1086V.
Identifiers: ClinVar variation 51433 (VCV000051433.29), dbSNP rs80358571, ClinGen allele CA017635.